The following is an entry in ClinVar:

ClinVar aggregate classification (germline): Conflicting classifications of pathogenicity. Review status: criteria provided, conflicting classifications (1 of 4 stars). 2 submissions from 2 submitters: Uncertain significance (1); Likely benign (1). Last evaluated 2024-02-15.

Conditions:
Intellectual developmental disorder, autosomal dominant 64. Also called: MENTAL RETARDATION, AUTOSOMAL DOMINANT 64. Identifiers: MedGen C5543067, MONDO:0030934, OMIM 619188.

Allele frequency attached by ClinVar (database versions not stated): TOPMed below 0.00001; gnomAD 0.00001.
gnomAD v4.1: 9 of 1,583,592 alleles (0.00057%); highest among the groups gnomAD compares: African/African-American, 0.004%; no homozygotes.

Submissions (2):

Revvity Omics, Revvity
Classification: Uncertain significance for Intellectual developmental disorder, autosomal dominant 64. Last evaluated: 2024-02-15. Review status: criteria provided, single submitter. Criteria: ACMG Guidelines, 2015. Collection method: clinical testing. Allele origin: germline.

CeGaT Center for Human Genetics Tuebingen
Classification: Likely benign. Last evaluated: 2023-01-01. Review status: criteria provided, single submitter. Criteria: CeGaT Center For Human Genetics Tuebingen Variant Classification Criteria Version 2. Collection method: clinical testing. Allele origin: germline. Affected: yes. Observed: 2 variant alleles.
Comment: ZNF292: BP4, BS2

NM_015021.3(ZNF292):c.6002G>A (p.Arg2001Gln)

Gene: ZNF292 (zinc finger protein 292; plus strand). Cytogenetic location: 6q14.3.
Variant type: single nucleotide variant.
Coding change: c.6002G>A on transcript NM_015021.3 (MANE Select); coding-DNA position 6002, G replaced by A.
Protein change: p.Arg2001Gln; replaces arginine 2001 with glutamine.
Molecular consequence: missense variant.
Genome position (GRCh38, 1-based): chr6:87,259,631, G>A. VCF-style: chr6-87259631-G-A. GRCh37 (hg19) VCF-style: chr6-87969349-G-A.
Other names: c.5582G>A, p.Arg1861Gln (NM_001351444.2); short protein forms R1861Q, R2001Q.
Identifiers: ClinVar variation 2656752 (VCV002656752.25), dbSNP rs1256350761, ClinGen allele CA364935530.